The following is an entry in ClinVar:

ClinVar aggregate classification (germline): Likely pathogenic. Review status: criteria provided, multiple submitters, no conflicts (2 of 4 stars). 2 submissions from 2 submitters: Likely pathogenic (2). Last evaluated 2025-03-31.

Conditions:
3-methylcrotonyl-CoA carboxylase 1 deficiency (MCC1D). Also called: MCCD TYPE 1; METHYLCROTONYLGLYCINURIA TYPE I; MCC 1 deficiency; 3 Alpha methylcrotonylglycinuria 1. Identifiers: Orphanet 6, MedGen CN028786, MONDO:0008861, OMIM 210200.

Allele frequency attached by ClinVar (database versions not stated): TOPMed 0.00001.

Submissions (2):

Labcorp Genetics (formerly Invitae), Labcorp
Classification: Likely pathogenic for 3-methylcrotonyl-CoA carboxylase 1 deficiency. Last evaluated: 2025-03-31. Review status: criteria provided, single submitter. Criteria: Invitae Variant Classification Sherloc (09022015). Collection method: clinical testing. Allele origin: germline.
Comment: This sequence change affects a donor splice site in intron 13 of the MCCC1 gene. It is expected to disrupt RNA splicing. Variants that disrupt the donor or acceptor splice site typically lead to a loss of protein function (PMID: 16199547), and loss-of-function variants in MCCC1 are known to be pathogenic (PMID: 11181649, 15359379, 22642865). This variant is not present in population databases (gnomAD no frequency). This variant has not been reported in the literature in individuals affected with MCCC1-related conditions. ClinVar contains an entry for this variant (Variation ID: 1505606). Algorithms developed to predict the effect of sequence changes on RNA splicing suggest that this variant may disrupt the consensus splice site. In summary, the currently available evidence indicates that the variant is pathogenic, but additional data are needed to prove that conclusively. Therefore, this variant has been classified as Likely Pathogenic.

Baylor Genetics
Classification: Likely pathogenic for 3-methylcrotonyl-CoA carboxylase 1 deficiency. Last evaluated: 2024-02-27. Review status: criteria provided, single submitter. Criteria: ACMG Guidelines, 2015. Collection method: clinical testing. Allele origin: unknown.

Literature cited by the submitters: PubMed 16199547 (cited by Labcorp Genetics (formerly Invitae), Labcorp); PubMed 11181649 (cited by Labcorp Genetics (formerly Invitae), Labcorp); PubMed 15359379 (cited by Labcorp Genetics (formerly Invitae), Labcorp); PubMed 22642865 (cited by Labcorp Genetics (formerly Invitae), Labcorp).

NM_020166.5(MCCC1):c.1594+1G>A

Gene: MCCC1 (methylcrotonyl-CoA carboxylase subunit 1; minus strand). Cytogenetic location: 3q27.1.
Variant type: single nucleotide variant.
Coding change: c.1594+1G>A on transcript NM_020166.5 (MANE Select); the canonical splice donor site of the intron after coding-DNA position 1594, G replaced by A.
Molecular consequence: splice donor variant.
Genome position (GRCh38, 1-based): chr3:183,037,217, C>T on the plus strand (G>A on the coding strand, the complement: MCCC1 is on the minus strand). VCF-style: chr3-183037217-C-T. GRCh37 (hg19) VCF-style: chr3-182755005-C-T.
Other names: c.1267+1G>A (NM_001363880.1); c.1243+1G>A (NM_001293273.2).
Identifiers: ClinVar variation 1505606 (VCV001505606.10), dbSNP rs966900131, ClinGen allele CA88700853.
Genomic context (GRCh38, chr3:183,037,217, plus strand): 5'-GCATGTTCAATGATGATTTGCAAAACTTGACAAGCAGAGGAAAGAGAAAAGCCTTCCATA[C>T]CATGTGCCTGAAGAGTGAAAGTGTCGGTCATGGCTTTCTCCTTGAGGATGAGACCCAGGG-3'